The following is an entry in ClinVar:

NM_004746.4(DLGAP1):c.2389C>T (p.Leu797=)

Gene: DLGAP1 (DLG associated protein 1; minus strand). Cytogenetic location: 18p11.31.
Variant type: single nucleotide variant.
Coding change: c.2389C>T on transcript NM_004746.4 (MANE Select); coding-DNA position 2389, C replaced by T.
Protein change: p.Leu797=; no amino-acid change (leucine 797 retained).
Molecular consequence: synonymous variant.
Genome position (GRCh38, 1-based): chr18:3,534,284, G>A on the plus strand (C>T on the coding strand, the complement: DLGAP1 is on the minus strand). VCF-style: chr18-3534284-G-A. GRCh37 (hg19) VCF-style: chr18-3534282-G-A.
Other names: c.1483C>T, p.Leu495= (NM_001003809.3, NM_001242765.2); c.2389C>T, p.Leu797= (NM_001242761.2, NM_001398527.1); c.1441C>T, p.Leu481= (NM_001242762.2); c.1555C>T, p.Leu519= (NM_001242763.2, NM_001398539.1); c.1507C>T, p.Leu503= (NM_001242764.2, NM_001398545.1); c.1513C>T, p.Leu505= (NM_001242766.2, NM_001398534.1, NM_001398543.1 and 1 more transcripts); c.1537C>T, p.Leu513= (NM_001308390.2, NM_001398541.1); c.2419C>T, p.Leu807= (NM_001398525.1, NM_001398526.1, NM_001398528.1); and 8 more.
Identifiers: ClinVar variation 3056064 (VCV003056064.2), dbSNP rs34171157, ClinGen allele CA8876149.

ClinVar aggregate classification (germline): Benign (0 of 4 stars; one submission).

Conditions:
DLGAP1-related disorder. Also called: DLGAP1-related condition.

Allele frequency attached by ClinVar (database versions not stated): ExAC 0.01690; 1000 Genomes Project 0.01717; gnomAD exomes 0.01756; 1000 Genomes Project 30x 0.01765; ESP Exome Variant Server 0.01922; TOPMed 0.01937; gnomAD 0.01982.
gnomAD v4.1: 28,712 of 1,614,218 alleles (1.8%); highest among the groups gnomAD compares: South Asian, 3%; 318 homozygotes.

Submission:

PreventionGenetics, part of Exact Sciences
Classification: Benign for DLGAP1-related condition. Last evaluated: 2019-02-20. Review status: no assertion criteria provided. Collection method: clinical testing. Allele origin: germline.
Comment: This variant is classified as benign based on ACMG/AMP sequence variant interpretation guidelines (Richards et al. 2015 PMID: 25741868, with internal and published modifications).